The following is an entry in ClinVar:

NM_138694.4(PKHD1):c.402G>A (p.Ala134=)

Gene: PKHD1 (PKHD1 ciliary IPT domain containing fibrocystin/polyductin; minus strand). Cytogenetic location: 6p12.2.
Variant type: single nucleotide variant.
Coding change: c.402G>A on transcript NM_138694.4 (MANE Select); coding-DNA position 402, G replaced by A.
Protein change: p.Ala134=; no amino-acid change (alanine 134 retained).
Molecular consequence: synonymous variant.
Genome position (GRCh38, 1-based): chr6:52,076,322, C>T on the plus strand (G>A on the coding strand, the complement: PKHD1 is on the minus strand). VCF-style: chr6-52076322-C-T. GRCh37 (hg19) VCF-style: chr6-51941120-C-T.
Other names: c.402G>A, p.Ala134= (NM_170724.3).
Identifiers: ClinVar variation 699838 (VCV000699838.15), dbSNP rs200992930, ClinGen allele CA3853938.

ClinVar aggregate classification (germline): Likely benign. Review status: criteria provided, multiple submitters, no conflicts (2 of 4 stars). 5 submissions from 5 submitters: Likely benign (4). 1 of the submissions does not count toward it. Last evaluated 2026-05-29.

Conditions:
PKHD1-related disorder. Also called: PKHD1-related condition.
Autosomal recessive polycystic kidney disease (ARPKD). Also called: AR polycystic kidney disease. Identifiers: Orphanet 731, Orphanet 8378, MedGen C0085548, MeSH D017044, MONDO:0009889.

Allele frequency attached by ClinVar (database versions not stated): TOPMed 0.00006; ExAC 0.00008; ESP Exome Variant Server 0.00008; 1000 Genomes Project 0.00020; 1000 Genomes Project 30x 0.00031.
gnomAD v4.1: 54 of 1,612,016 alleles (0.0033%); highest among the groups gnomAD compares: African/African-American, 0.0053%; no homozygotes.

Submissions (5):

PreventionGenetics, part of Exact Sciences
Classification: Likely benign for PKHD1-related condition. Last evaluated: 2026-05-29. Review status: criteria provided, single submitter. Criteria: ACMG Guidelines, 2015. Collection method: clinical testing. Allele origin: germline.
Comment: This variant is classified as likely benign based on ACMG/AMP sequence variant interpretation guidelines (Richards et al. 2015 PMID: 25741868, with internal and published modifications).

Labcorp Genetics (formerly Invitae), Labcorp
Classification: Likely benign for Autosomal recessive polycystic kidney disease. Last evaluated: 2025-04-20. Review status: criteria provided, single submitter. Criteria: Invitae Variant Classification Sherloc (09022015). Collection method: clinical testing. Allele origin: germline.

Blueprint Genetics
Classification: Likely benign. Last evaluated: 2023-01-17. Review status: criteria provided, single submitter. Criteria: ACMG Guidelines, 2015. Collection method: clinical testing. Allele origin: germline.

Breakthrough Genomics
Classification: Likely benign. Review status: criteria provided, single submitter. Criteria: ACMG Guidelines, 2015. Collection method: not provided. Allele origin: germline. Inheritance: Autosomal recessive inheritance. Affected: yes.

Natera, Inc.
Classification: Uncertain significance for Autosomal recessive polycystic kidney disease. Last evaluated: 2018-05-31. Review status: no assertion criteria provided. Collection method: clinical testing. Allele origin: germline. Not counted in ClinVar's aggregate classification.